The following is an entry in ClinVar:

NM_138694.4(PKHD1):c.1694-2A>G

Gene: PKHD1 (PKHD1 ciliary IPT domain containing fibrocystin/polyductin; minus strand). Cytogenetic location: 6p12.2.
Variant type: single nucleotide variant.
Coding change: c.1694-2A>G on transcript NM_138694.4 (MANE Select); the canonical splice acceptor site of the intron before coding-DNA position 1694, A replaced by G.
Molecular consequence: splice acceptor variant.
Genome position (GRCh38, 1-based): chr6:52,055,731, T>C on the plus strand (A>G on the coding strand, the complement: PKHD1 is on the minus strand). VCF-style: chr6-52055731-T-C. GRCh37 (hg19) VCF-style: chr6-51920529-T-C.
Other names: c.1694-2A>G (NM_170724.3).
Identifiers: ClinVar variation 1509562 (VCV001509562.10), dbSNP rs1807619777, ClinGen allele CA364424847.

ClinVar aggregate classification (germline): Likely pathogenic. Review status: criteria provided, multiple submitters, no conflicts (2 of 4 stars). 3 submissions from 3 submitters: Likely pathogenic (3). Last evaluated 2025-11-04.

Conditions:
Autosomal recessive polycystic kidney disease (ARPKD). Also called: AR polycystic kidney disease. Identifiers: Orphanet 731, Orphanet 8378, MedGen C0085548, MeSH D017044, MONDO:0009889.
Polycystic kidney disease 4 (PKD4). Also called: POLYCYSTIC KIDNEY DISEASE 4 WITH OR WITHOUT POLYCYSTIC LIVER DISEASE; PKD3; Autosomal Recessive Polycystic Kidney Disease – PKHD1; POLYCYSTIC KIDNEY AND HEPATIC DISEASE 1; POLYCYSTIC KIDNEY DISEASE, INFANTILE, TYPE I. Identifiers: MedGen C4540575, MONDO:0033004, OMIM 263200.

Allele frequency attached by ClinVar (database versions not stated): gnomAD 0.00001.

Submissions (3):

Natera, Inc.
Classification: Likely pathogenic for Autosomal recessive polycystic kidney disease. Last evaluated: 2025-11-04. Review status: criteria provided, single submitter. Criteria: Natera Variant Classification Schema (03/2026). Collection method: clinical testing. Allele origin: germline.
Comment: The c.1694-2A>G variant in PKHD1 is a canonical splice acceptor site variant predicted to affect pre-mRNA splicing, which may result in an abnormal transcript and altered protein product. This variant is expected to result in nonsense mediated decay, truncation, or a dysfunctional protein product. This variant is rare in the general population with a frequency below the threshold expected for the associated phenotype(s). Given the available evidence, this variant is classified as Likely Pathogenic.

Fulgent Genetics
Classification: Likely pathogenic for Polycystic kidney disease 4. Last evaluated: 2024-04-16. Review status: criteria provided, single submitter. Criteria: ACMG Guidelines, 2015. Collection method: clinical testing. Allele origin: germline.

Labcorp Genetics (formerly Invitae), Labcorp
Classification: Likely pathogenic for Autosomal recessive polycystic kidney disease. Last evaluated: 2023-02-28. Review status: criteria provided, single submitter. Criteria: Invitae Variant Classification Sherloc (09022015). Collection method: clinical testing. Allele origin: germline.
Comment: This variant is not present in population databases (gnomAD no frequency). This variant has not been reported in the literature in individuals affected with PKHD1-related conditions. ClinVar contains an entry for this variant (Variation ID: 1509562). Algorithms developed to predict the effect of sequence changes on RNA splicing suggest that this variant may disrupt the consensus splice site. In summary, the currently available evidence indicates that the variant is pathogenic, but additional data are needed to prove that conclusively. Therefore, this variant has been classified as Likely Pathogenic. This sequence change affects an acceptor splice site in intron 18 of the PKHD1 gene. It is expected to disrupt RNA splicing. Variants that disrupt the donor or acceptor splice site typically lead to a loss of protein function (PMID: 16199547), and loss-of-function variants in PKHD1 are known to be pathogenic (PMID: 19940839).

Literature cited by the submitters: PubMed 16199547 (cited by Labcorp Genetics (formerly Invitae), Labcorp); PubMed 19940839 (cited by Labcorp Genetics (formerly Invitae), Labcorp).